The following is an entry in ClinVar:

NM_018089.3(ANKZF1):c.1110_1113del (p.Glu371fs)

Gene: ANKZF1 (ankyrin repeat and zinc finger peptidyl tRNA hydrolase 1; plus strand). Cytogenetic location: 2q35.
Variant type: Microsatellite.
Coding change: c.1110_1113del on transcript NM_018089.3 (MANE Select); coding-DNA positions 1110 to 1113, 4 bases deleted (AGAG; older notation c.1110_1113delAGAG).
Protein change: p.Glu371fs; shifts the reading frame from glutamic acid 371.
Molecular consequence: frameshift variant.
Genome position (GRCh38, 1-based): chr2:219,234,194-219,234,197, AGAG deleted; deleting any 4 consecutive bases within chr2:219,234,192-219,234,197 gives the same sequence; the c. name uses the placement nearest the transcript's 3' end. VCF-style (leftmost placement, unchanged base first): chr2-219234191-AAGAG-A. GRCh37 (hg19) VCF-style: chr2-220098913-AAGAG-A.
Other names: c.1110_1113del, p.Glu371fs (NM_001042410.2); c.480_483del, p.Glu161fs (NM_001282792.2); short protein forms E371fs, E161fs.
Identifiers: ClinVar variation 3647940 (VCV003647940.2).
Genomic context (GRCh38, chr2:219,234,191, plus strand): 5'-AGAAGAAGACCCTCGGGAAGCAGTCAGACTGCACTCACCTCAGACACACTGGAAAACAGT[AAGAG>A]AGGAGAGAAAGAAGCCTACTGAGGAAGAAATAAGAAAGATCTGCAGGGATGAAAAGGAAG-3'

ClinVar aggregate classification (germline): Uncertain significance (1 of 4 stars; one submission).

Submission:

Labcorp Genetics (formerly Invitae), Labcorp
Classification: Uncertain significance. Last evaluated: 2024-03-28. Review status: criteria provided, single submitter. Criteria: Invitae Variant Classification Sherloc (09022015). Collection method: clinical testing. Allele origin: germline.
Comment: This sequence change creates a premature translational stop signal (p.Glu371Argfs*10) in the ANKZF1 gene. It is expected to result in an absent or disrupted protein product. However, the current clinical and genetic evidence is not sufficient to establish whether loss-of-function variants in ANKZF1 cause disease. This variant is not present in population databases (gnomAD no frequency). This variant has not been reported in the literature in individuals affected with ANKZF1-related conditions. In summary, the available evidence is currently insufficient to determine the role of this variant in disease. Therefore, it has been classified as a Variant of Uncertain Significance.